The following is an entry in ClinVar:

NM_014806.5(RUSC2):c.2953G>T (p.Ala985Ser)

Gene: RUSC2 (RUN and SH3 domain containing 2; plus strand). Cytogenetic location: 9p13.3.
Variant type: single nucleotide variant.
Coding change: c.2953G>T on transcript NM_014806.5 (MANE Select); coding-DNA position 2953, G replaced by T.
Protein change: p.Ala985Ser; replaces alanine 985 with serine.
Molecular consequence: missense variant. On other transcripts: non-coding transcript variant (1).
Genome position (GRCh38, 1-based): chr9:35,556,418, G>T. VCF-style: chr9-35556418-G-T. GRCh37 (hg19) VCF-style: chr9-35556415-G-T.
Other names: c.2953G>T, p.Ala985Ser (NM_001135999.2); c.319G>T, p.Ala107Ser (NM_001330740.2); short protein forms A107S, A985S.
Identifiers: ClinVar variation 1477133 (VCV001477133.5), dbSNP rs754737244, ClinGen allele CA5044001.

ClinVar aggregate classification (germline): Uncertain significance (1 of 4 stars; one submission).

Allele frequency attached by ClinVar (database versions not stated): ExAC 0.00001; gnomAD exomes 0.00001; TOPMed 0.00002.
gnomAD v4.1: 4 of 1,614,144 alleles (0.00025%); highest among the groups gnomAD compares: Admixed American, 0.0067%; no homozygotes.

Submission:

Labcorp Genetics (formerly Invitae), Labcorp
Classification: Uncertain significance. Last evaluated: 2022-03-06. Review status: criteria provided, single submitter. Criteria: Invitae Variant Classification Sherloc (09022015). Collection method: clinical testing. Allele origin: germline.
Comment: This sequence change replaces alanine, which is neutral and non-polar, with serine, which is neutral and polar, at codon 985 of the RUSC2 protein (p.Ala985Ser). This variant is present in population databases (rs754737244, gnomAD 0.006%). This variant has not been reported in the literature in individuals affected with RUSC2-related conditions. Algorithms developed to predict the effect of missense changes on protein structure and function are either unavailable or do not agree on the potential impact of this missense change (SIFT: "Tolerated"; PolyPhen-2: "Probably Damaging"; Align-GVGD: "Class C0"). In summary, the available evidence is currently insufficient to determine the role of this variant in disease. Therefore, it has been classified as a Variant of Uncertain Significance.